The following is an entry in ClinVar:

ClinVar aggregate classification (germline): Uncertain significance (1 of 4 stars; one submission).

Conditions:
PLXNA2-related disorder. Also called: PLXNA2-related condition.

Allele frequency attached by ClinVar (database versions not stated): TOPMed below 0.00001; gnomAD 0.00001; gnomAD exomes 0.00001.
gnomAD v4.1: 16 of 1,614,082 alleles (0.00099%); highest among the groups gnomAD compares: Non-Finnish European, 0.0014%; no homozygotes.

Submission:

PreventionGenetics, part of Exact Sciences
Classification: Uncertain significance for PLXNA2-related condition. Last evaluated: 2022-09-08. Review status: criteria provided, single submitter. Criteria: ACMG Guidelines, 2015. Collection method: clinical testing. Allele origin: germline.
Comment: The PLXNA2 c.4438G>A variant is predicted to result in the amino acid substitution p.Glu1480Lys. To our knowledge, this variant has not been reported in the literature. This variant is reported in 0.0018% of alleles in individuals of European (Non-Finnish) descent in gnomAD. At this time, the clinical significance of this variant is uncertain due to the absence of conclusive functional and genetic evidence.

NM_025179.4(PLXNA2):c.4438G>A (p.Glu1480Lys)

Gene: PLXNA2 (plexin A2; minus strand). Cytogenetic location: 1q32.2.
Variant type: single nucleotide variant.
Coding change: c.4438G>A on transcript NM_025179.4 (MANE Select); coding-DNA position 4438, G replaced by A.
Protein change: p.Glu1480Lys; replaces glutamic acid 1480 with lysine.
Molecular consequence: missense variant.
Genome position (GRCh38, 1-based): chr1:208,039,683, C>T on the plus strand (G>A on the coding strand, the complement: PLXNA2 is on the minus strand). VCF-style: chr1-208039683-C-T. GRCh37 (hg19) VCF-style: chr1-208213028-C-T.
Other names: short protein forms E1480K.
Identifiers: ClinVar variation 2636203 (VCV002636203.1), dbSNP rs1269275813, ClinGen allele CA344561980.